The following is an entry in ClinVar:

NM_000052.7(ATP7A):c.4141G>A (p.Gly1381Ser)

Gene: ATP7A (ATPase copper transporting alpha; plus strand). Cytogenetic location: Xq21.1.
Variant type: single nucleotide variant.
Coding change: c.4141G>A on transcript NM_000052.7 (MANE Select); coding-DNA position 4141, G replaced by A.
Protein change: p.Gly1381Ser; replaces glycine 1381 with serine.
Molecular consequence: missense variant. On other transcripts: non-coding transcript variant (1).
Genome position (GRCh38, 1-based): chrX:78,045,487, G>A. VCF-style: chrX-78045487-G-A. GRCh37 (hg19) VCF-style: chrX-77300984-G-A.
Other names: c.3907G>A, p.Gly1303Ser (NM_001282224.2); short protein forms G1303S, G1381S.
Identifiers: ClinVar variation 2928534 (VCV002928534.3), dbSNP rs2522425454, ClinGen allele CA413605765.

ClinVar aggregate classification (germline): Uncertain significance (1 of 4 stars; one submission).

Conditions:
Menkes kinky-hair syndrome (MNK). Also called: Copper transport disease; Menkes Disease; Classic Menkes Disease. Identifiers: Orphanet 565, MedGen C0022716, MONDO:0010651, OMIM 309400.
Cutis laxa, X-linked (OHS). Also called: EDS IX; Occipital horn syndrome. Identifiers: Orphanet 198, MedGen C0268353, MONDO:0010572, OMIM 304150.
X-linked distal spinal muscular atrophy type 3. Also called: ATP7A-Related Distal Motor Neuropathy; SPINAL MUSCULAR ATROPHY, DISTAL, X-LINKED RECESSIVE; NEURONOPATHY, DISTAL HEREDITARY MOTOR, X-LINKED; NEUROPATHY, DISTAL HEREDITARY MOTOR, X-LINKED. Identifiers: Orphanet 139557, MedGen C1845359, MONDO:0010338, OMIM 300489.

Submission:

Labcorp Genetics (formerly Invitae), Labcorp
Classification: Uncertain significance for X-linked distal spinal muscular atrophy type 3; Cutis laxa, X-linked; Menkes kinky-hair syndrome. Last evaluated: 2023-01-10. Review status: criteria provided, single submitter. Criteria: Invitae Variant Classification Sherloc (09022015). Collection method: clinical testing. Allele origin: germline.
Comment: In summary, the available evidence is currently insufficient to determine the role of this variant in disease. Therefore, it has been classified as a Variant of Uncertain Significance. Algorithms developed to predict the effect of sequence changes on RNA splicing suggest that this variant may disrupt the consensus splice site. Algorithms developed to predict the effect of missense changes on protein structure and function (SIFT, PolyPhen-2, Align-GVGD) all suggest that this variant is likely to be disruptive. This variant has not been reported in the literature in individuals affected with ATP7A-related conditions. This variant is not present in population databases (gnomAD no frequency). This sequence change replaces glycine, which is neutral and non-polar, with serine, which is neutral and polar, at codon 1381 of the ATP7A protein (p.Gly1381Ser).